The following is an entry in ClinVar:

ClinVar aggregate classification (germline): Uncertain significance. Review status: criteria provided, multiple submitters, no conflicts (2 of 4 stars). 2 submissions from 2 submitters: Uncertain significance (2). Last evaluated 2025-10-15.

Allele frequency attached by ClinVar (database versions not stated): TOPMed 0.00001; ExAC 0.00002; gnomAD exomes 0.00001.
gnomAD v4.1: 12 of 1,613,298 alleles (0.00074%); highest among the groups gnomAD compares: Middle Eastern, 0.083%; 1 homozygote.

Submissions (2):

Ambry Genetics
Classification: Uncertain significance. Last evaluated: 2025-10-15. Review status: criteria provided, single submitter. Criteria: Ambry Variant Classification Scheme 2023. Collection method: clinical testing. Allele origin: germline.

Labcorp Genetics (formerly Invitae), Labcorp
Classification: Uncertain significance. Last evaluated: 2024-02-14. Review status: criteria provided, single submitter. Criteria: Invitae Variant Classification Sherloc (09022015). Collection method: clinical testing. Allele origin: germline.
Comment: This sequence change replaces methionine, which is neutral and non-polar, with threonine, which is neutral and polar, at codon 209 of the PLA2G4A protein (p.Met209Thr). This variant is present in population databases (rs202061195, gnomAD 0.006%). This variant has not been reported in the literature in individuals affected with PLA2G4A-related conditions. ClinVar contains an entry for this variant (Variation ID: 2080114). Advanced modeling of protein sequence and biophysical properties (such as structural, functional, and spatial information, amino acid conservation, physicochemical variation, residue mobility, and thermodynamic stability) performed at Invitae indicates that this missense variant is not expected to disrupt PLA2G4A protein function with a negative predictive value of 80%. In summary, the available evidence is currently insufficient to determine the role of this variant in disease. Therefore, it has been classified as a Variant of Uncertain Significance.

NM_024420.3(PLA2G4A):c.626T>C (p.Met209Thr)

Gene: PLA2G4A (phospholipase A2 group IVA; plus strand). Cytogenetic location: 1q31.1.
Variant type: single nucleotide variant.
Coding change: c.626T>C on transcript NM_024420.3 (MANE Select); coding-DNA position 626, T replaced by C.
Protein change: p.Met209Thr; replaces methionine 209 with threonine.
Molecular consequence: missense variant.
Genome position (GRCh38, 1-based): chr1:186,932,830, T>C. VCF-style: chr1-186932830-T-C. GRCh37 (hg19) VCF-style: chr1-186901962-T-C.
Other names: c.446T>C, p.Met149Thr (NM_001311193.2); c.626T>C (NM_024420.2); short protein forms M149T, M209T.
Identifiers: ClinVar variation 2080114 (VCV002080114.4), dbSNP rs202061195, ClinGen allele CA1300008.